The following is an entry in ClinVar:

ClinVar aggregate classification (germline): Likely pathogenic (1 of 4 stars; one submission).

Conditions:
Familial infantile myasthenia (CMS6). Also called: Congenital myasthenic syndrome type 6; MYASTHENIC SYNDROME, PRESYNAPTIC, CONGENITAL, ASSOCIATED WITH EPISODIC APNEA; MYASTHENIC SYNDROME, CONGENITAL, 6, PRESYNAPTIC. Identifiers: Orphanet 590, MedGen C0393929, MONDO:0009689, OMIM 254210.

Allele frequency attached by ClinVar (database versions not stated): TOPMed 0.00003.

Submission:

Labcorp Genetics (formerly Invitae), Labcorp
Classification: Likely pathogenic for Familial infantile myasthenia. Last evaluated: 2020-12-22. Review status: criteria provided, single submitter. Criteria: Invitae Variant Classification Sherloc (09022015). Collection method: clinical testing. Allele origin: germline.
Comment: In summary, the currently available evidence indicates that the variant is pathogenic, but additional data are needed to prove that conclusively. Therefore, this variant has been classified as Likely Pathogenic. This variant disrupts the p.Ser694 amino acid residue in CHAT. Other variant(s) that disrupt this residue have been determined to be pathogenic (PMID: 15701560). This suggests that this residue is clinically significant, and that variants that disrupt this residue are likely to be disease-causing. Nucleotide substitutions within the consensus splice site are a relatively common cause of aberrant splicing (PMID: 17576681, 9536098). Algorithms developed to predict the effect of sequence changes on RNA splicing suggest that this variant may disrupt the consensus splice site, but this prediction has not been confirmed by published transcriptional studies. This variant has not been reported in the literature in individuals with CHAT-related conditions. This sequence change affects a donor splice site in intron 14 of the CHAT gene. While this variant is not anticipated to result in nonsense mediated decay, it likely alters RNA splicing and results in a disrupted protein product. This variant is not present in population databases (ExAC no frequency).

Literature cited by the submitters: PubMed 15701560; PubMed 17576681; PubMed 9536098.

NM_020549.5(CHAT):c.1977+1_1977+9del

Gene: CHAT (choline O-acetyltransferase; plus strand). Cytogenetic location: 10q11.23.
Variant type: Deletion.
Coding change: c.1977+1_1977+9del on transcript NM_020549.5 (MANE Select); the canonical splice donor site of the intron after coding-DNA position 1977 through 9 bases into the intron after coding-DNA position 1977, 9 bases deleted (GTACGGCCC; older notation c.1977+1_1977+9delGTACGGCCC).
Molecular consequence: splice donor variant.
Genome position (GRCh38, 1-based): chr10:49,662,783-49,662,791, GTACGGCCC deleted. VCF-style (leftmost placement, unchanged base first): chr10-49662782-GGTACGGCCC-G. GRCh37 (hg19) VCF-style: chr10-50870828-GGTACGGCCC-G.
Other names: c.1623+1_1623+9del (NM_020984.4, NM_020985.4, NM_020986.4 and 2 more transcripts); c.1731+1_1731+9del (NM_001142933.2).
Identifiers: ClinVar variation 1519183 (VCV001519183.8), dbSNP rs1207292931, ClinGen allele CA666039879.